The following is an entry in ClinVar:

ClinVar aggregate classification (germline): Pathogenic (1 of 4 stars; one submission).

Conditions:
Cohen syndrome (COH1). Also called: PEPPER SYNDROME; Cutis verticis gyrata, retinitis pigmentosa, and sensorineural deafness. Identifiers: Orphanet 193, MedGen C0265223, MONDO:0008999, OMIM 216550.

Submission:

Labcorp Genetics (formerly Invitae), Labcorp
Classification: Pathogenic for Cohen syndrome. Last evaluated: 2023-10-17. Review status: criteria provided, single submitter. Criteria: Invitae Variant Classification Sherloc (09022015). Collection method: clinical testing. Allele origin: germline.
Comment: This sequence change creates a premature translational stop signal (p.Gln2703*) in the VPS13B gene. It is expected to result in an absent or disrupted protein product. Loss-of-function variants in VPS13B are known to be pathogenic (PMID: 15141358, 16648375, 20461111). This variant is not present in population databases (gnomAD no frequency). This variant has not been reported in the literature in individuals affected with VPS13B-related conditions. For these reasons, this variant has been classified as Pathogenic.

Literature cited by the submitters: PubMed 15141358; PubMed 16648375; PubMed 20461111.

NM_152564.5(VPS13B):c.8032C>T (p.Gln2678Ter)

Gene: VPS13B (vacuolar protein sorting 13 homolog B; plus strand). Cytogenetic location: 8q22.2.
Variant type: single nucleotide variant.
Coding change: c.8032C>T on transcript NM_152564.5 (MANE Select); coding-DNA position 8032, C replaced by T.
Protein change: p.Gln2678Ter; replaces glutamine 2678 with a stop codon.
Molecular consequence: nonsense.
Genome position (GRCh38, 1-based): chr8:99,809,465, C>T. VCF-style: chr8-99809465-C-T. GRCh37 (hg19) VCF-style: chr8-100821693-C-T.
Other names: c.8107C>T, p.Gln2703Ter (NM_017890.5); short protein forms Q2678*, Q2703*.
Identifiers: ClinVar variation 2769435 (VCV002769435.3), dbSNP rs2491976875, ClinGen allele CA371769950.